The following is an entry in ClinVar:

NM_000051.4(ATM):c.8937G>A (p.Glu2979=)

Genes: ATM (ATM serine/threonine kinase; plus strand), C11orf65 (chromosome 11 open reading frame 65; minus strand). Cytogenetic location: 11q22.3.
Variant type: single nucleotide variant.
Coding change: c.8937G>A on transcript NM_000051.4 (MANE Select); coding-DNA position 8937, G replaced by A.
Protein change: p.Glu2979=; no amino-acid change (glutamic acid 2979 retained).
Molecular consequence: synonymous variant. On other transcripts: intron variant (2).
Genome position (GRCh38, 1-based): chr11:108,365,168, G>A. VCF-style: chr11-108365168-G-A. GRCh37 (hg19) VCF-style: chr11-108235895-G-A.
Other names: c.8937G>A, p.Glu2979= (NM_001351834.2); c.640+20752C>T (NM_001330368.2); c.694+20752C>T (NM_001351110.2).
Identifiers: ClinVar variation 229868 (VCV000229868.17), dbSNP rs876658242, ClinGen allele CA10579325.
Genomic context (GRCh38, chr11:108,365,168, plus strand): 5'-CTGGACCATGAATCCTTTGAAAGCTTTGTATTTACAGCAGAGGCCGGAAGATGAAACTGA[G>A]CTTCACCCTACTCTGAATGCAGATGACCAAGAATGCAAACGAAATCTCAGGTGAGCAGTA-3'
Protein context (NP_000042.3, residues 2969-2989): YLQQRPEDET[Glu2979=]LHPTLNADDQ

ClinVar aggregate classification (germline): Benign/Likely benign. Review status: criteria provided, multiple submitters, no conflicts (2 of 4 stars). 6 submissions from 6 submitters: Benign (1); Likely benign (5). Last evaluated 2024-06-24.

Conditions:
Hereditary cancer-predisposing syndrome. Also called: Neoplastic Syndromes, Hereditary; Hereditary neoplastic syndrome; Tumor predisposition; Hereditary Cancer Syndrome. Identifiers: Orphanet 140162, MedGen C0027672, MeSH D009386, MONDO:0015356.
Ataxia-telangiectasia syndrome (AT). Also called: Ataxia telangiectasia (A-T); Cerebello-oculocutaneous telangiectasia; Immunodeficiency with ataxia telangiectasia; LOUIS-BAR SYNDROME; AT, COMPLEMENTATION GROUP C; ATAXIA-TELANGIECTASIA, FRESNO VARIANT. Identifiers: Orphanet 100, MedGen C0004135, MONDO:0008840, OMIM 208900.
Familial cancer of breast. Also called: hereditary breast carcinoma; Hereditary breast cancer; BREAST CANCER, FAMILIAL. Identifiers: Orphanet 227535, MedGen C0346153, MONDO:0016419, OMIM 114480. Disease mechanism: loss of function.

Submissions (6):

Myriad Genetics, Inc.
Classification: Benign for Familial cancer of breast. Last evaluated: 2024-06-24. Review status: criteria provided, single submitter. Criteria: Myriad Autosomal Dominant, Autosomal Recessive and X-Linked Classification Criteria (2023). Collection method: clinical testing. Allele origin: unknown.
Comment: This variant is considered benign. This variant is a silent/synonymous amino acid change and it is not expected to impact splicing.

Labcorp Genetics (formerly Invitae), Labcorp
Classification: Likely benign for Ataxia-telangiectasia syndrome. Last evaluated: 2024-06-04. Review status: criteria provided, single submitter. Criteria: Invitae Variant Classification Sherloc (09022015). Collection method: clinical testing. Allele origin: germline.

GeneDx
Classification: Likely benign. Last evaluated: 2018-02-14. Review status: criteria provided, single submitter. Criteria: GeneDx Variant Classification (06012015). Collection method: clinical testing. Allele origin: germline. Affected: yes.
Comment: This variant is considered likely benign or benign based on one or more of the following criteria: it is a conservative change, it occurs at a poorly conserved position in the protein, it is predicted to be benign by multiple in silico algorithms, and/or has population frequency not consistent with disease.

PreventionGenetics, part of Exact Sciences
Classification: Likely benign. Last evaluated: 2017-11-13. Review status: criteria provided, single submitter. Criteria: ACMG Guidelines, 2015. Collection method: clinical testing. Allele origin: germline.

Color Diagnostics, LLC DBA Color Health
Classification: Likely benign for Hereditary cancer-predisposing syndrome. Last evaluated: 2015-04-26. Review status: criteria provided, single submitter. Criteria: ACMG Guidelines, 2015. Collection method: clinical testing. Allele origin: germline.

Ambry Genetics
Classification: Likely benign for Hereditary cancer-predisposing syndrome. Last evaluated: 2015-01-06. Review status: criteria provided, single submitter. Criteria: Ambry Variant Classification Scheme 2023. Collection method: clinical testing. Allele origin: germline.